The following is an entry in ClinVar:

NM_138713.4(NFAT5):c.484A>G (p.Ile162Val)

Gene: NFAT5 (nuclear factor of activated T cells 5; plus strand). Cytogenetic location: 16q22.1.
Variant type: single nucleotide variant.
Coding change: c.484A>G on transcript NM_138713.4 (MANE Select); coding-DNA position 484, A replaced by G.
Protein change: p.Ile162Val; replaces isoleucine 162 with valine.
Molecular consequence: missense variant. On other transcripts: intron variant (1).
Genome position (GRCh38, 1-based): chr16:69,647,258, A>G. VCF-style: chr16-69647258-A-G. GRCh37 (hg19) VCF-style: chr16-69681161-A-G.
Other names: c.484A>G, p.Ile162Val (NM_001113178.3); c.430A>G, p.Ile144Val (NM_006599.4); c.202A>G, p.Ile68Val (NM_138714.4, NM_173214.3, NM_173215.3); c.140+91A>G (NM_001367709.1); short protein forms I68V, I144V, I162V.
Identifiers: ClinVar variation 1512085 (VCV001512085.8), dbSNP rs781587305, ClinGen allele CA8135371.

ClinVar aggregate classification (germline): Uncertain significance (1 of 4 stars; one submission).

Conditions:
Immunodeficiency. Identifiers: MedGen C0021051, MONDO:0021094, HP:0002721.

Allele frequency attached by ClinVar (database versions not stated): ExAC 0.00001; gnomAD exomes 0.00001 and 0.00002.

Submission:

Labcorp Genetics (formerly Invitae), Labcorp
Classification: Uncertain significance for Immunodeficiency. Last evaluated: 2022-02-05. Review status: criteria provided, single submitter. Criteria: Invitae Variant Classification Sherloc (09022015). Collection method: clinical testing. Allele origin: germline.
Comment: This sequence change replaces isoleucine, which is neutral and non-polar, with valine, which is neutral and non-polar, at codon 68 of the NFAT5 protein (p.Ile68Val). This variant is present in population databases (rs781587305, gnomAD 0.002%). This variant has not been reported in the literature in individuals affected with NFAT5-related conditions. Algorithms developed to predict the effect of missense changes on protein structure and function are either unavailable or do not agree on the potential impact of this missense change (SIFT: "Tolerated"; PolyPhen-2: "Probably Damaging"; Align-GVGD: "Class C0"). In summary, the available evidence is currently insufficient to determine the role of this variant in disease. Therefore, it has been classified as a Variant of Uncertain Significance.